The following is an entry in ClinVar:

ClinVar aggregate classification (germline): Likely benign. Review status: criteria provided, multiple submitters, no conflicts (2 of 4 stars). 2 submissions from 2 submitters: Likely benign (2). Last evaluated 2026-06-15.

Conditions:
Polyps, multiple and recurrent inflammatory fibroid, gastrointestinal. Identifiers: MedGen C5193005, MONDO:0008285, OMIM 175510.
Gastrointestinal stromal tumor. Also called: Gastrointestinal stroma tumor; Gastrointestinal stromal tumor, somatic. Identifiers: Orphanet 44890, MedGen C0238198, MeSH D046152, MONDO:0011719, OMIM 606764, HP:0100723.

Allele frequency attached by ClinVar (database versions not stated): ExAC 0.00001.

Submissions (2):

Myriad Genetics, Inc.
Classification: Likely benign for Polyps, multiple and recurrent inflammatory fibroid, gastrointestinal. Last evaluated: 2026-06-15. Review status: criteria provided, single submitter. Criteria: Myriad Autosomal Dominant, Autosomal Recessive and X-Linked Classification Criteria (2023). Collection method: clinical testing. Allele origin: unknown.
Comment: This variant is considered likely benign. This variant is intronic and is not expected to impact mRNA splicing.

Labcorp Genetics (formerly Invitae), Labcorp
Classification: Likely benign for Gastrointestinal stromal tumor. Last evaluated: 2022-03-02. Review status: criteria provided, single submitter. Criteria: Invitae Variant Classification Sherloc (09022015). Collection method: clinical testing. Allele origin: germline.

NM_006206.6(PDGFRA):c.2002+9A>G

Gene: PDGFRA (platelet derived growth factor receptor alpha; plus strand). Cytogenetic location: 4q12.
Variant type: single nucleotide variant.
Coding change: c.2002+9A>G on transcript NM_006206.6 (MANE Select); 9 bases into the intron after coding-DNA position 2002, A replaced by G.
Molecular consequence: intron variant.
Genome position (GRCh38, 1-based): chr4:54,278,015, A>G. VCF-style: chr4-54278015-A-G. GRCh37 (hg19) VCF-style: chr4-55144182-A-G.
Other names: c.2077+9A>G (NM_001347828.2); c.2002+9A>G (NM_001347827.2, NM_001347829.2); c.2041+9A>G (NM_001347830.2).
Identifiers: ClinVar variation 2105814 (VCV002105814.5), dbSNP rs768231916, ClinGen allele CA2922719.